The following is an entry in ClinVar:

NM_001267052.2(UNC45B):c.888G>A (p.Arg296=)

Gene: UNC45B (unc-45 myosin chaperone B; plus strand). Cytogenetic location: 17q12.
Variant type: single nucleotide variant.
Coding change: c.888G>A on transcript NM_001267052.2 (MANE Select); coding-DNA position 888, G replaced by A.
Protein change: p.Arg296=; no amino-acid change (arginine 296 retained).
Molecular consequence: synonymous variant.
Genome position (GRCh38, 1-based): chr17:35,159,454, G>A. VCF-style: chr17-35159454-G-A. GRCh37 (hg19) VCF-style: chr17-33486473-G-A.
Other names: c.888G>A, p.Arg296= (NM_001033576.2, NM_001308281.1, NM_173167.3).
Identifiers: ClinVar variation 5000204 (VCV005000204.1).

ClinVar aggregate classification (germline): Likely benign (1 of 4 stars; one submission).

Conditions:
UNC45B-related disorder. Also called: UNC45B-related condition.

Submission:

PreventionGenetics, part of Exact Sciences
Classification: Likely benign for UNC45B-related condition. Last evaluated: 2025-04-26. Review status: criteria provided, single submitter. Criteria: ACMG Guidelines, 2015. Collection method: clinical testing. Allele origin: germline.
Comment: This variant is classified as likely benign based on ACMG/AMP sequence variant interpretation guidelines (Richards et al. 2015 PMID: 25741868, with internal and published modifications).